The following is an entry in ClinVar:

ClinVar aggregate classification (germline): Uncertain significance (1 of 4 stars; one submission).

Allele frequency attached by ClinVar (database versions not stated): gnomAD exomes below 0.00001.
gnomAD v4.1: 3 of 1,608,426 alleles (0.00019%); highest among the groups gnomAD compares: Admixed American, 0.005%; 1 homozygote.

Submission:

Labcorp Genetics (formerly Invitae), Labcorp
Classification: Uncertain significance. Last evaluated: 2022-06-27. Review status: criteria provided, single submitter. Criteria: Invitae Variant Classification Sherloc (09022015). Collection method: clinical testing. Allele origin: germline.
Comment: This sequence change replaces proline, which is neutral and non-polar, with arginine, which is basic and polar, at codon 90 of the EIF2AK3 protein (p.Pro90Arg). This variant is present in population databases (no rsID available, gnomAD 0.009%), including at least one homozygous and/or hemizygous individual. This variant has not been reported in the literature in individuals affected with EIF2AK3-related conditions. Algorithms developed to predict the effect of missense changes on protein structure and function (SIFT, PolyPhen-2, Align-GVGD) all suggest that this variant is likely to be tolerated. In summary, the available evidence is currently insufficient to determine the role of this variant in disease. Therefore, it has been classified as a Variant of Uncertain Significance.

NM_004836.7(EIF2AK3):c.269C>G (p.Pro90Arg)

Gene: EIF2AK3 (eukaryotic translation initiation factor 2 alpha kinase 3; minus strand). Cytogenetic location: 2p11.2.
Variant type: single nucleotide variant.
Coding change: c.269C>G on transcript NM_004836.7 (MANE Select); coding-DNA position 269, C replaced by G.
Protein change: p.Pro90Arg; replaces proline 90 with arginine.
Molecular consequence: missense variant.
Genome position (GRCh38, 1-based): chr2:88,627,006, G>C on the plus strand (C>G on the coding strand, the complement: EIF2AK3 is on the minus strand). VCF-style: chr2-88627006-G-C. GRCh37 (hg19) VCF-style: chr2-88926524-G-C.
Other names: short protein forms P90R.
Identifiers: ClinVar variation 1404852 (VCV001404852.5), dbSNP rs1249747845, ClinGen allele CA347763146.